The following is an entry in ClinVar:

ClinVar aggregate classification (germline): Conflicting classifications of pathogenicity. Review status: criteria provided, conflicting classifications (1 of 4 stars). 2 submissions from 2 submitters: Pathogenic (1); Uncertain significance (1). Last evaluated 2025-10-21.

Conditions:
Inherited Immunodeficiency Diseases. Identifiers: MedGen C5197805, MeSH D000081207.
Combined immunodeficiency due to LRBA deficiency. Also called: Common variable immunodeficiency 8, with autoimmunity. Identifiers: Orphanet 445018, MedGen C3553512, MONDO:0013863, OMIM 614700.

Allele frequency attached by ClinVar (database versions not stated): gnomAD 0.00003.

Submissions (2):

Labcorp Genetics (formerly Invitae), Labcorp
Classification: Pathogenic for Combined immunodeficiency due to LRBA deficiency. Last evaluated: 2025-10-21. Review status: criteria provided, single submitter. Criteria: Invitae Variant Classification Sherloc (09022015). Collection method: clinical testing. Allele origin: germline.
Comment: This sequence change creates a premature translational stop signal (p.Arg633*) in the LRBA gene. It is expected to result in an absent or disrupted protein product. Loss-of-function variants in LRBA are known to be pathogenic (PMID: 26206937, 26768763). This variant is present in population databases (rs770266168, gnomAD 0.004%). This premature translational stop signal has been observed in individual(s) with clinical features of LRBA deficiency (PMID: 32499645). ClinVar contains an entry for this variant (Variation ID: 827711). For these reasons, this variant has been classified as Pathogenic.

NIHR Bioresource Rare Diseases, University of Cambridge
Classification: Uncertain significance for Inherited Immunodeficiency Diseases. Last evaluated: 2019-01-01. Review status: criteria provided, single submitter. Criteria: ACMG Guidelines, 2015. Collection method: research. Allele origin: germline. Affected: yes. Observed: 1 heterozygote.

Literature cited by the submitters: PubMed 26206937 (cited by Labcorp Genetics (formerly Invitae), Labcorp); PubMed 26768763 (cited by Labcorp Genetics (formerly Invitae), Labcorp); PubMed 32499645 (cited by Labcorp Genetics (formerly Invitae), Labcorp).

NM_001364905.1(LRBA):c.1897C>T (p.Arg633Ter)

Gene: LRBA (LPS responsive beige-like anchor protein; minus strand). Cytogenetic location: 4q31.3.
Variant type: single nucleotide variant.
Coding change: c.1897C>T on transcript NM_001364905.1 (MANE Select); coding-DNA position 1897, C replaced by T.
Protein change: p.Arg633Ter; replaces arginine 633 with a stop codon.
Molecular consequence: nonsense.
Genome position (GRCh38, 1-based): chr4:150,900,076, G>A on the plus strand (C>T on the coding strand, the complement: LRBA is on the minus strand). VCF-style: chr4-150900076-G-A. GRCh37 (hg19) VCF-style: chr4-151821228-G-A.
Other names: c.1897C>T, p.Arg633Ter (NM_001199282.3, NM_001367550.1, NM_006726.5); short protein forms R633*.
Identifiers: ClinVar variation 827711 (VCV000827711.6), dbSNP rs770266168, ClinGen allele CA3103449.